The following is an entry in ClinVar:

ClinVar aggregate classification (germline): Benign. Review status: criteria provided, multiple submitters, no conflicts (2 of 4 stars). 9 submissions from 9 submitters: Benign (8). 1 of the submissions does not count toward it. Last evaluated 2026-02-04.

Conditions:
Congenital contractural arachnodactyly (CCA). Also called: Beals-Hecht syndrome; Arthrogryposis, distal, type 9; BEALS SYNDROME. Identifiers: Orphanet 115, MedGen C0220668, MONDO:0007363, OMIM 121050.

Allele frequency attached by ClinVar (database versions not stated): gnomAD exomes 0.00390 and 0.01083; ExAC 0.01357; gnomAD 0.04203 and 0.04495; TOPMed 0.04638; ESP Exome Variant Server 0.04644; 1000 Genomes Project 0.04952; 1000 Genomes Project 30x 0.05387.
gnomAD v4.1: 12,428 of 1,613,614 alleles (0.77%); highest among the groups gnomAD compares: African/African-American, 14%; 857 homozygotes.

Submissions (9):

Labcorp Genetics (formerly Invitae), Labcorp
Classification: Benign for Congenital contractural arachnodactyly. Last evaluated: 2026-02-04. Review status: criteria provided, single submitter. Criteria: Invitae Variant Classification Sherloc (09022015). Collection method: clinical testing. Allele origin: germline.

Blueprint Genetics
Classification: Benign. Last evaluated: 2024-11-26. Review status: criteria provided, single submitter. Criteria: ACMG Guidelines, 2015. Collection method: clinical testing. Allele origin: germline.

Illumina Laboratory Services, Illumina
Classification: Benign for Congenital contractural arachnodactyly. Last evaluated: 2018-01-12. Review status: criteria provided, single submitter. Criteria: ICSL Variant Classification Criteria 13 December 2019. Collection method: clinical testing. Allele origin: germline.
Comment: This variant was observed in the ICSL laboratory as part of a predisposition screen in an ostensibly healthy population. It had not been previously curated by ICSL or reported in the Human Gene Mutation Database (HGMD: prior to June 1st, 2018), and was therefore a candidate for classification through an automated scoring system. Utilizing variant allele frequency, disease prevalence and penetrance estimates, and inheritance mode, an automated score was calculated to assess if this variant is too frequent to cause the disease. Based on the score and internal cut-off values, a variant classified as benign is not then subjected to further curation. The score for this variant resulted in a classification of benign for this disease.

Women's Health and Genetics/Laboratory Corporation of America, LabCorp
Classification: Benign. Last evaluated: 2017-03-22. Review status: criteria provided, single submitter. Criteria: LabCorp Variant Classification Summary - May 2015. Collection method: clinical testing. Allele origin: germline.
Comment: Variant summary: The FBN2 c.6292+12C>A variant involves the alteration of a non-conserved intronic nucleotide. One in silico tool predicts a benign outcome for this variant. 5/5 splice prediction tools predict no significant impact on normal splicing, while ESE finder predicts the loss of an SF2/ASF binding motif. However, these predictions have yet to be confirmed by functional studies. The variant of interest has been observed in a large, broad control population, ExAC, in 1642/120966 control chromosomes (122 homozygotes) at a frequency of 0.0135741, which is approximately 10859 times the estimated maximal expected allele frequency of a pathogenic FBN2 variant (0.0000013), suggesting this variant is likely a benign polymorphism. In addition, multiple clinical diagnostic laboratories classified this variant as benign. The variant of interest has not, to our knowledge, been reported in affected individuals via publications; nor evaluated for functional impact by in vivo/vitro studies. Taken together, this variant is classified as benign.

Genome Diagnostics Laboratory, University Medical Center Utrecht
Classification: Benign for Congenital contractural arachnodactyly. Last evaluated: 2016-02-10. Review status: criteria provided, single submitter. Criteria: ACGS Guidelines, 2013. Collection method: clinical testing. Allele origin: germline. Affected: yes. Study: VKGL Data-share Consensus.

GeneDx
Classification: Benign. Last evaluated: 2013-04-25. Review status: criteria provided, single submitter. Criteria: GeneDx Variant Classification (06012015). Collection method: clinical testing. Allele origin: germline. Affected: yes.
Comment: This variant is considered likely benign or benign based on one or more of the following criteria: it is a conservative change, it occurs at a poorly conserved position in the protein, it is predicted to be benign by multiple in silico algorithms, and/or has population frequency not consistent with disease.

Laboratory for Molecular Medicine, Mass General Brigham Personalized Medicine
Classification: Benign. Last evaluated: 2013-04-04. Review status: criteria provided, single submitter. Criteria: LMM Criteria. Collection method: clinical testing. Allele origin: germline. Observed: 2 variant alleles.
Comment: 6292+12C>A in intron 49 of FBN2: This variant is not expected to have clinical s ignificance because it is not located within the conserved splice consensus sequ ence. It has been identified in 13.6% (599/4406) of African American chromosomes from a broad population by the NHLBI Exome Sequencing Project (dbSNP rs10042349).

PreventionGenetics, part of Exact Sciences
Classification: Benign. Review status: criteria provided, single submitter. Criteria: ACMG Guidelines, 2015. Collection method: clinical testing. Allele origin: germline.

Genome Diagnostics Laboratory, Amsterdam University Medical Center
Classification: Benign for Congenital contractural arachnodactyly. Last evaluated: 2015-01-27. Review status: no assertion criteria provided. Criteria: ACGS Guidelines, 2013. Collection method: clinical testing. Allele origin: germline. Affected: yes. Study: VKGL Data-share Consensus. Not counted in ClinVar's aggregate classification.

NM_001999.4(FBN2):c.6292+12C>A

Gene: FBN2 (fibrillin 2; minus strand). Cytogenetic location: 5q23.3.
Variant type: single nucleotide variant.
Coding change: c.6292+12C>A on transcript NM_001999.4 (MANE Select); 12 bases into the intron after coding-DNA position 6292, C replaced by A.
Molecular consequence: intron variant.
Genome position (GRCh38, 1-based): chr5:128,291,517, G>T on the plus strand (C>A on the coding strand, the complement: FBN2 is on the minus strand). VCF-style: chr5-128291517-G-T. GRCh37 (hg19) VCF-style: chr5-127627209-G-T.
Identifiers: ClinVar variation 137343 (VCV000137343.19), dbSNP rs10042349, ClinGen allele CA290886.
Genomic context (GRCh38, chr5:128,291,517, plus strand): 5'-CATGATGGTTTACAATTCAGCTTTAAAGTTTCTAAGCGTGAACTGTGACAGTGAAGTCAT[G>T]CCAAATCTTACCAAAGCATCTCCGTCCATTATCAGATAGTACAAAGCCAGGGGGGCAGAG-3'